The following is an entry in ClinVar:

ClinVar aggregate classification (germline): Uncertain significance. Review status: criteria provided, multiple submitters, no conflicts (2 of 4 stars). 4 submissions from 4 submitters: Uncertain significance (4). Last evaluated 2024-02-01.

Conditions:
Brody myopathy. Also called: BRODY DISEASE. Identifiers: Orphanet 53347, MedGen C1832918, MONDO:0010977, OMIM 601003.

Allele frequency attached by ClinVar (database versions not stated): gnomAD 0.00002 and 0.00003; gnomAD exomes 0.00002; TOPMed 0.00003.
gnomAD v4.1: 28 of 1,614,022 alleles (0.0017%); highest among the groups gnomAD compares: Non-Finnish European, 0.00068%; no homozygotes.

Submissions (4):

CeGaT Center for Human Genetics Tuebingen
Classification: Uncertain significance. Last evaluated: 2024-02-01. Review status: criteria provided, single submitter. Criteria: CeGaT Center For Human Genetics Tuebingen Variant Classification Criteria Version 2. Collection method: clinical testing. Allele origin: germline. Affected: yes. Observed: 1 variant allele.
Comment: ATP2A1: PM2, PP3

Labcorp Genetics (formerly Invitae), Labcorp
Classification: Uncertain significance for Brody myopathy. Last evaluated: 2022-07-11. Review status: criteria provided, single submitter. Criteria: Invitae Variant Classification Sherloc (09022015). Collection method: clinical testing. Allele origin: germline.
Comment: This sequence change affects codon 781 of the ATP2A1 mRNA. It is a 'silent' change, meaning that it does not change the encoded amino acid sequence of the ATP2A1 protein. This variant is present in population databases (no rsID available, gnomAD 0.03%). This variant has not been reported in the literature in individuals affected with ATP2A1-related conditions. ClinVar contains an entry for this variant (Variation ID: 318786). Algorithms developed to predict the effect of sequence changes on RNA splicing suggest that this variant may create or strengthen a splice site. In summary, the available evidence is currently insufficient to determine the role of this variant in disease. Therefore, it has been classified as a Variant of Uncertain Significance.

Illumina Laboratory Services, Illumina
Classification: Uncertain significance for Brody myopathy. Last evaluated: 2018-01-12. Review status: criteria provided, single submitter. Criteria: ICSL Variant Classification Criteria 13 December 2019. Collection method: clinical testing. Allele origin: germline.

GeneDx
Classification: Uncertain significance. Last evaluated: 2017-04-10. Review status: criteria provided, single submitter. Criteria: GeneDx Variant Classification (06012015). Collection method: clinical testing. Allele origin: germline. Affected: yes.
Comment: A variant of uncertain significance has been identified in the ATP2A1 gene. The c.2343 G>A variant has not been published as a pathogenic variant, nor has it been reported as a benign variant to our knowledge. The c.2343 G>A variant is not observed in large population cohorts (Lek et al., 2016; 1000 Genomes Consortium et al., 2015; Exome Variant Server). This substitution occurs at a position that is not conserved. Several in-silico splice prediction models predict that c.2343 G>A creates a cryptic acceptor site which may supplant the natural acceptor site and lead to abnormal gene splicing. However, in the absence of RNA/functional studies, the actual effect of this sequence change in this individual is unknown. Therefore, based on the currently available information, it is unclear whether this variant is a pathogenic variant or a rare benign variant.

NM_004320.6(ATP2A1):c.2343G>A (p.Leu781=)

Gene: ATP2A1 (ATPase sarcoplasmic/endoplasmic reticulum Ca2+ transporting 1; plus strand). Cytogenetic location: 16p11.2.
Variant type: single nucleotide variant.
Coding change: c.2343G>A on transcript NM_004320.6 (MANE Select); coding-DNA position 2343, G replaced by A.
Protein change: p.Leu781=; no amino-acid change (leucine 781 retained).
Molecular consequence: synonymous variant.
Genome position (GRCh38, 1-based): chr16:28,902,205, G>A. VCF-style: chr16-28902205-G-A. GRCh37 (hg19) VCF-style: chr16-28913526-G-A.
Other names: c.1968G>A, p.Leu656= (NM_001286075.2); c.2343G>A, p.Leu781= (NM_173201.5).
Identifiers: ClinVar variation 318786 (VCV000318786.34), dbSNP rs886051883, ClinGen allele CA10643421.